The following is an entry in ClinVar:

ClinVar aggregate classification (germline): Pathogenic. Review status: criteria provided, single submitter (1 of 4 stars). 2 submissions from 2 submitters: Pathogenic (1). 1 of the submissions does not count toward it. Last evaluated 2025-09-01.

Conditions:
PTBP2-related neurodevelopmental disease.

Submissions (2):

Equipe Genetique des Anomalies du Developpement, Université de Bourgogne
Classification: Pathogenic for PTBP2-related neurodevelopmental disease. Last evaluated: 2025-09-01. Review status: criteria provided, single submitter. Criteria: ACMG Guidelines, 2015. Collection method: research. Allele origin: de novo. Affected: yes.
Comment: The c.2T>G substitution is absent from gnomAD (v4.1.0). This start-loss variant has been confirmed by functional studies to result in an in-frame deletion of the N-terminal domain of the protein (PMID: 40965981). The resulting N-terminally truncated protein exhibits abnormal cytoplasmic accumulation due to loss of the first half of the bipartite nuclear localization signal and the nuclear export signal within the first 31 amino acids.

OMIM
Classification: Uncertain significance for VARIANT OF UNKNOWN SIGNIFICANCE. Last evaluated: 2026-02-05. Review status: no assertion criteria provided. Collection method: literature only. Allele origin: germline. Not counted in ClinVar's aggregate classification.

Literature cited by the submitters: PubMed 40965981 (cited by Equipe Genetique des Anomalies du Developpement, Université de Bourgogne and OMIM).

NM_021190.4(PTBP2):c.2T>C (p.Met1Thr)

Gene: PTBP2 (polypyrimidine tract binding protein 2; plus strand). Cytogenetic location: 1p21.3.
Variant type: single nucleotide variant.
Coding change: c.2T>C on transcript NM_021190.4 (MANE Select); coding-DNA position 2, T replaced by C.
Protein change: p.Met1Thr; changes the start codon (methionine 1).
Molecular consequence: missense variant, initiator codon variant. On other transcripts: 5 prime UTR variant (2), non-coding transcript variant (1).
Genome position (GRCh38, 1-based): chr1:96,721,866, T>C. VCF-style: chr1-96721866-T-C. GRCh37 (hg19) VCF-style: chr1-97187422-T-C.
Other names: c.2T>C, p.Met1Thr (NM_001300985.2, NM_001300986.2, NM_001300988.2 and 2 more transcripts); c.-122T>C (NM_001300987.2); c.-79T>C (NM_001300990.2); short protein forms M1T.
Identifiers: ClinVar variation 4528354 (VCV004528354.1).